The following is an entry in ClinVar:

NM_001375524.1(TRRAP):c.10138C>A (p.His3380Asn)

Gene: TRRAP (transformation/transcription domain associated protein; plus strand). Cytogenetic location: 7q22.1.
Variant type: single nucleotide variant.
Coding change: c.10138C>A on transcript NM_001375524.1 (MANE Select); coding-DNA position 10138, C replaced by A.
Protein change: p.His3380Asn; replaces histidine 3380 with asparagine.
Molecular consequence: missense variant.
Genome position (GRCh38, 1-based): chr7:98,994,677, C>A. VCF-style: chr7-98994677-C-A. GRCh37 (hg19) VCF-style: chr7-98592300-C-A.
Other names: c.10096C>A, p.His3366Asn (NM_001244580.2); c.10009C>A, p.His3337Asn (NM_003496.4); c.10096C>A (NM_001244580.1); short protein forms H3337N, H3366N, H3380N.
Identifiers: ClinVar variation 1691158 (VCV001691158.5), dbSNP rs2116815131, ClinGen allele CA368332504.
Genomic context (GRCh38, chr7:98,994,677, plus strand): 5'-AAATGTTACTCCGTGGCGTTTGAGAAAAGTGGAGCGGTGTCCGATGCTAAAATCACCCCC[C>A]ACACTCTCAATTTTGTGAAGAAGTTGGTGAGCACGTTTGGGGTGGGCCTGGAGAATGTGT-3'
Protein context (NP_001362453.1, residues 3370-3390): GAVSDAKITP[His3380Asn]TLNFVKKLVS

ClinVar aggregate classification (germline): Uncertain significance. Review status: criteria provided, multiple submitters, no conflicts (2 of 4 stars). 2 submissions from 2 submitters: Uncertain significance (2). Last evaluated 2025-08-23.

Conditions:
Inborn genetic diseases. Identifiers: MedGen C0950123, MeSH D030342.

Allele frequency attached by ClinVar (database versions not stated): gnomAD exomes below 0.00001.
gnomAD v4.1: 1 of 1,614,208 alleles (0.000062%); highest among the groups gnomAD compares: Non-Finnish European, 0.000085%; no homozygotes.

Submissions (2):

Ambry Genetics
Classification: Uncertain significance for Inborn genetic diseases. Last evaluated: 2025-08-23. Review status: criteria provided, single submitter. Criteria: Ambry Variant Classification Scheme 2023. Collection method: clinical testing. Allele origin: germline.

GeneDx
Classification: Uncertain significance. Last evaluated: 2025-03-11. Review status: criteria provided, single submitter. Criteria: GeneDx Variant Classification Process June 2021. Collection method: clinical testing. Allele origin: germline. Affected: yes.
Comment: Not observed at significant frequency in large population cohorts (gnomAD); In silico analysis supports that this missense variant has a deleterious effect on protein structure/function; Has not been previously published as pathogenic or benign to our knowledge